The following is an entry in ClinVar:

NM_001009944.3(PKD1):c.2495G>A (p.Arg832His)

Gene: PKD1 (polycystin 1, transient receptor potential channel interacting; minus strand). Cytogenetic location: 16p13.3.
Variant type: single nucleotide variant.
Coding change: c.2495G>A on transcript NM_001009944.3 (MANE Select); coding-DNA position 2495, G replaced by A.
Protein change: p.Arg832His; replaces arginine 832 with histidine.
Molecular consequence: missense variant.
Genome position (GRCh38, 1-based): chr16:2,114,528, C>T on the plus strand (G>A on the coding strand, the complement: PKD1 is on the minus strand). VCF-style: chr16-2114528-C-T. GRCh37 (hg19) VCF-style: chr16-2164529-C-T.
Other names: c.2495G>A, p.Arg832His (NM_000296.4); short protein forms R832H.
Identifiers: ClinVar variation 3213455 (VCV003213455.3), dbSNP rs565256491, ClinGen allele CA7833196.

ClinVar aggregate classification (germline): Conflicting classifications of pathogenicity. Review status: criteria provided, conflicting classifications (1 of 4 stars). 3 submissions from 3 submitters: Uncertain significance (2); Likely benign (1). Last evaluated 2026-01-06.

Conditions:
Polycystic kidney disease, adult type (PKD1). Also called: Polycystic Kidney Disease 1, Autosomal Dominant; Polycystic kidney disease 1; Polycystic kidney disease 1, severe; POLYCYSTIC KIDNEY DISEASE, ADULT, TYPE I; Polycystic Kidney, Autosomal Dominant; POLYCYSTIC KIDNEY DISEASE 1 WITH OR WITHOUT POLYCYSTIC LIVER DISEASE. Identifiers: MedGen C3149841, MONDO:0008263, OMIM 173900.
PKD1-related disorder. Also called: PKD1-related condition.
Inborn genetic diseases. Identifiers: MedGen C0950123, MeSH D030342.

Allele frequency attached by ClinVar (database versions not stated): gnomAD 0.00003; gnomAD exomes 0.00003; TOPMed 0.00004; ExAC 0.00009; 1000 Genomes Project 30x 0.00016; 1000 Genomes Project 0.00020.

Submissions (3):

PreventionGenetics, part of Exact Sciences
Classification: Uncertain significance for PKD1-related condition. Last evaluated: 2026-01-06. Review status: criteria provided, single submitter. Criteria: ACMG Guidelines, 2015. Collection method: clinical testing. Allele origin: germline.
Comment: The PKD1 c.2495G>A variant is predicted to result in the amino acid substitution p.Arg832His. To our knowledge, this variant has not been reported in the literature. This variant is reported in 0.018% of alleles in individuals of East Asian descent in gnomAD. At this time, the clinical significance of this variant is uncertain due to the absence of conclusive functional and genetic evidence.

Fulgent Genetics
Classification: Uncertain significance for Polycystic kidney disease, adult type. Last evaluated: 2024-06-05. Review status: criteria provided, single submitter. Criteria: ACMG Guidelines, 2015. Collection method: clinical testing. Allele origin: germline.

Ambry Genetics
Classification: Likely benign for Inborn genetic diseases. Last evaluated: 2023-12-12. Review status: criteria provided, single submitter. Criteria: Ambry Variant Classification Scheme 2023. Collection method: clinical testing. Allele origin: germline.